The following is an entry in ClinVar:

ClinVar aggregate classification (germline): Uncertain significance (1 of 4 stars; one submission).

Submission:

Labcorp Genetics (formerly Invitae), Labcorp
Classification: Uncertain significance. Last evaluated: 2020-08-27. Review status: criteria provided, single submitter. Criteria: Invitae Variant Classification Sherloc (09022015). Collection method: clinical testing. Allele origin: germline.
Comment: In summary, the available evidence is currently insufficient to determine the role of this variant in disease. Therefore, it has been classified as a Variant of Uncertain Significance. Algorithms developed to predict the effect of missense changes on protein structure and function (SIFT, PolyPhen-2, Align-GVGD) all suggest that this variant is likely to be disruptive, but these predictions have not been confirmed by published functional studies and their clinical significance is uncertain. This variant has not been reported in the literature in individuals with ORC4-related conditions. This variant is not present in population databases (ExAC no frequency). This sequence change replaces leucine with serine at codon 384 of the ORC4 protein (p.Leu384Ser). The leucine residue is highly conserved and there is a large physicochemical difference between leucine and serine.

NM_181741.4(ORC4):c.1151T>C (p.Leu384Ser)

Gene: ORC4 (origin recognition complex subunit 4; minus strand). Cytogenetic location: 2q23.1.
Variant type: single nucleotide variant.
Coding change: c.1151T>C on transcript NM_181741.4 (MANE Select); coding-DNA position 1151, T replaced by C.
Protein change: p.Leu384Ser; replaces leucine 384 with serine.
Molecular consequence: missense variant.
Genome position (GRCh38, 1-based): chr2:147,935,670, A>G on the plus strand (T>C on the coding strand, the complement: ORC4 is on the minus strand). VCF-style: chr2-147935670-A-G. GRCh37 (hg19) VCF-style: chr2-148693239-A-G.
Other names: c.1151T>C, p.Leu384Ser (NM_001374270.1, NM_002552.5, NM_181742.5 and 1 more transcripts); c.899T>C, p.Leu300Ser (NM_001374272.1, NM_001190881.3); c.929T>C, p.Leu310Ser (NM_001190882.3); short protein forms L300S, L310S, L384S.
Identifiers: ClinVar variation 1059369 (VCV001059369.9), dbSNP rs1688009564, ClinGen allele CA348709912.
Genomic context (GRCh38, chr2:147,935,670, plus strand): 5'-AGTTTCATCAGCTGGTACTCTCTCTGTGAATTTCCTGAAGTTCTTTCCATGGGCTTTATT[A>G]ATTCTAATTGCTGCAAGTGTTCAAAAGCCTGAAAGATGAAAGAAATAGTTTAGGTTGAAT-3'
Protein context (NP_859525.1, residues 374-394): KAFEHLQQLE[Leu384Ser]IKPMERTSGN